The following is an entry in ClinVar:

ClinVar aggregate classification (germline): Uncertain significance (1 of 4 stars; one submission).

Submission:

Labcorp Genetics (formerly Invitae), Labcorp
Classification: Uncertain significance. Last evaluated: 2022-03-19. Review status: criteria provided, single submitter. Criteria: Invitae Variant Classification Sherloc (09022015). Collection method: clinical testing. Allele origin: germline.
Comment: In summary, the available evidence is currently insufficient to determine the role of this variant in disease. Therefore, it has been classified as a Variant of Uncertain Significance. Algorithms developed to predict the effect of missense changes on protein structure and function (SIFT, PolyPhen-2, Align-GVGD) all suggest that this variant is likely to be tolerated. This variant has not been reported in the literature in individuals affected with PLK4-related conditions. This variant is not present in population databases (gnomAD no frequency). This sequence change replaces glutamic acid, which is acidic and polar, with glycine, which is neutral and non-polar, at codon 417 of the PLK4 protein (p.Glu417Gly).

NM_014264.5(PLK4):c.1250A>G (p.Glu417Gly)

Gene: PLK4 (polo like kinase 4; plus strand). Cytogenetic location: 4q28.1.
Variant type: single nucleotide variant.
Coding change: c.1250A>G on transcript NM_014264.5 (MANE Select); coding-DNA position 1250, A replaced by G.
Protein change: p.Glu417Gly; replaces glutamic acid 417 with glycine.
Molecular consequence: missense variant.
Genome position (GRCh38, 1-based): chr4:127,886,620, A>G. VCF-style: chr4-127886620-A-G. GRCh37 (hg19) VCF-style: chr4-128807775-A-G.
Other names: c.1154A>G, p.Glu385Gly (NM_001190799.2); c.1127A>G, p.Glu376Gly (NM_001190801.2); short protein forms E417G, E385G, E376G.
Identifiers: ClinVar variation 1482649 (VCV001482649.8), dbSNP rs1218117080, ClinGen allele CA358153457.